The following is an entry in ClinVar:

NM_020975.6(RET):c.3040-3C>T

Gene: RET (ret proto-oncogene; plus strand). Cytogenetic location: 10q11.21.
Variant type: single nucleotide variant.
Coding change: c.3040-3C>T on transcript NM_020975.6 (MANE Select); 3 bases into the intron before coding-DNA position 3040, C replaced by T.
Molecular consequence: intron variant.
Genome position (GRCh38, 1-based): chr10:43,126,572, C>T. VCF-style: chr10-43126572-C-T. GRCh37 (hg19) VCF-style: chr10-43622020-C-T.
Other names: c.3040-3C>T (NM_020975.4, NM_020630.7, NM_001406743.1 and 3 more transcripts); c.2905-3C>T (NM_001406765.1, NM_001406763.1); c.2644-3C>T (NM_001406772.1, NM_001406769.1); c.2602-3C>T (NM_001406773.1, NM_001406771.1); c.2143-3C>T (NM_001406782.1, NM_001406780.1, NM_001406779.1 and 1 more transcripts); c.2008-3C>T (NM_001406787.1); c.2023-3C>T (NM_001406785.1); c.2911-3C>T (NM_001406764.1, NM_001406762.1, NM_001406761.1); and 10 more.
Identifiers: ClinVar variation 2139233 (VCV002139233.6), dbSNP rs1177729406, ClinGen allele CA593290097.

ClinVar aggregate classification (germline): Conflicting classifications of pathogenicity. Review status: criteria provided, conflicting classifications (1 of 4 stars). 3 submissions from 3 submitters: Uncertain significance (2); Likely benign (1). Last evaluated 2024-11-18.

Conditions:
Hereditary cancer-predisposing syndrome. Also called: Neoplastic Syndromes, Hereditary; Hereditary Cancer Syndrome; Tumor predisposition; Hereditary neoplastic syndrome. Identifiers: Orphanet 140162, MedGen C0027672, MeSH D009386, MONDO:0015356.
Multiple endocrine neoplasia, type 2 (MEN2). Identifiers: Orphanet 653, MedGen C4048306, MONDO:0019003. Disease mechanism: gain of function.

Allele frequency attached by ClinVar (database versions not stated): gnomAD exomes below 0.00001.
gnomAD v4.1: 2 of 1,613,716 alleles (0.00012%); highest among the groups gnomAD compares: East Asian, 0.0045%; no homozygotes.

Submissions (3):

Ambry Genetics
Classification: Uncertain significance for Hereditary cancer-predisposing syndrome. Last evaluated: 2024-11-18. Review status: criteria provided, single submitter. Criteria: Ambry Variant Classification Scheme 2023. Collection method: clinical testing. Allele origin: germline.
Comment: The c.3040-3C>T intronic variant results from a C to T substitution 3 nucleotides upstream from coding exon 19 in the RET gene. This nucleotide position is poorly conserved in available vertebrate species. In silico splice site analysis predicts that this alteration will not have any significant effect on splicing. Based on the available evidence, the clinical significance of this variant remains unclear.

All of Us Research Program, National Institutes of Health
Classification: Likely benign for Multiple endocrine neoplasia, type 2. Last evaluated: 2023-08-15. Review status: criteria provided, single submitter. Criteria: ACMG Guidelines, 2015. Collection method: clinical testing. Allele origin: germline. Inheritance: Autosomal dominant inheritance. Observed: 1 variant allele, 1 heterozygote.
Comment: This study involves interpretation of variants in research participants for the purpose of population health screening. Participant phenotype was not available at the time of variant classification. Additional details can be found in publication PMID: 35346344, PMCID: PMC8962531

Labcorp Genetics (formerly Invitae), Labcorp
Classification: Uncertain significance for Multiple endocrine neoplasia, type 2. Last evaluated: 2023-01-07. Review status: criteria provided, single submitter. Criteria: Invitae Variant Classification Sherloc (09022015). Collection method: clinical testing. Allele origin: germline.
Comment: This sequence change falls in intron 18 of the RET gene. It does not directly change the encoded amino acid sequence of the RET protein. It affects a nucleotide within the consensus splice site. In summary, the available evidence is currently insufficient to determine the role of this variant in disease. Therefore, it has been classified as a Variant of Uncertain Significance. Variants that disrupt the consensus splice site are a relatively common cause of aberrant splicing (PMID: 17576681, 9536098). Algorithms developed to predict the effect of sequence changes on RNA splicing suggest that this variant is not likely to affect RNA splicing. This variant has not been reported in the literature in individuals affected with RET-related conditions. This variant is present in population databases (no rsID available, gnomAD 0.006%).

Literature cited by the submitters: PubMed 17576681 (cited by Labcorp Genetics (formerly Invitae), Labcorp); PubMed 9536098 (cited by Labcorp Genetics (formerly Invitae), Labcorp).